The following is an entry in ClinVar:

NM_000492.4(CFTR):c.117A>T (p.Gln39His)

Gene: CFTR (CF transmembrane conductance regulator; plus strand). Cytogenetic location: 7q31.2.
Variant type: single nucleotide variant.
Coding change: c.117A>T on transcript NM_000492.4 (MANE Select); coding-DNA position 117, A replaced by T.
Protein change: p.Gln39His; replaces glutamine 39 with histidine.
Molecular consequence: missense variant.
Genome position (GRCh38, 1-based): chr7:117,504,316, A>T. VCF-style: chr7-117504316-A-T. GRCh37 (hg19) VCF-style: chr7-117144370-A-T.
Other names: short protein forms Q39H.
Identifiers: ClinVar variation 838648 (VCV000838648.10), dbSNP rs764522674, ClinGen allele CA368987242.

ClinVar aggregate classification (germline): Uncertain significance. Review status: criteria provided, multiple submitters, no conflicts (2 of 4 stars). 5 submissions from 5 submitters: Uncertain significance (4). 1 of the submissions does not count toward it. Last evaluated 2025-01-06.

Conditions:
Cystic fibrosis (CF). Also called: MUCOVISCIDOSIS. Identifiers: Orphanet 586, MedGen C0010674, MONDO:0009061, OMIM 219700. Disease mechanism: loss of function.

gnomAD v4.1: 3 of 1,612,564 alleles (0.00019%); highest among the groups gnomAD compares: Non-Finnish European, 0.00025%; no homozygotes.

Submissions (5):

Labcorp Genetics (formerly Invitae), Labcorp
Classification: Uncertain significance for Cystic fibrosis. Last evaluated: 2025-01-06. Review status: criteria provided, single submitter. Criteria: Invitae Variant Classification Sherloc (09022015). Collection method: clinical testing. Allele origin: germline.
Comment: This sequence change replaces glutamine, which is neutral and polar, with histidine, which is basic and polar, at codon 39 of the CFTR protein (p.Gln39His). This variant is not present in population databases (gnomAD no frequency). This variant has not been reported in the literature in individuals affected with CFTR-related conditions. ClinVar contains an entry for this variant (Variation ID: 838648). An algorithm developed to predict the effect of missense changes on protein structure and function outputs the following: PolyPhen-2: "Benign". The histidine amino acid residue is found in multiple mammalian species, which suggests that this missense change does not adversely affect protein function. In summary, the available evidence is currently insufficient to determine the role of this variant in disease. Therefore, it has been classified as a Variant of Uncertain Significance.

Ambry Genetics
Classification: Uncertain significance for Cystic fibrosis. Last evaluated: 2024-02-16. Review status: criteria provided, single submitter. Criteria: Ambry Variant Classification Scheme 2023. Collection method: clinical testing. Allele origin: germline.
Comment: The p.Q39H variant (also known as c.117A>T), located in coding exon 2 of the CFTR gene, results from an A to T substitution at nucleotide position 117. The glutamine at codon 39 is replaced by histidine, an amino acid with highly similar properties. This amino acid position is conserved. In addition, this alteration is predicted to be tolerated by in silico analysis. Since supporting evidence is limited at this time, the clinical significance of this alteration remains unclear.

Women's Health and Genetics/Laboratory Corporation of America, LabCorp
Classification: Uncertain significance. Last evaluated: 2021-09-26. Review status: criteria provided, single submitter. Criteria: LabCorp Variant Classification Summary - May 2015. Collection method: clinical testing. Allele origin: germline.

Genome-Nilou Lab
Classification: Uncertain significance for Cystic fibrosis. Last evaluated: 2021-09-05. Review status: criteria provided, single submitter. Criteria: ACMG Guidelines, 2015. Collection method: clinical testing. Allele origin: germline. Affected: no.

Natera, Inc.
Classification: Uncertain significance for Cystic Fibrosis. Last evaluated: 2020-09-16. Review status: no assertion criteria provided. Collection method: clinical testing. Allele origin: germline. Not counted in ClinVar's aggregate classification.